The following is an entry in ClinVar:

ClinVar aggregate classification (germline): Benign. Review status: criteria provided, multiple submitters, no conflicts (2 of 4 stars). 2 submissions from 2 submitters: Benign (2). Last evaluated 2018-06-16.

Allele frequency attached by ClinVar (database versions not stated): gnomAD 0.27903 and 0.29209; 1000 Genomes Project 0.28814; TOPMed 0.30403; 1000 Genomes Project 30x 0.30465.
gnomAD v4.1: 86,521 of 522,576 alleles (17%); highest among the groups gnomAD compares: African/African-American, 70%; 16,153 homozygotes.

Submissions (2):

GeneDx
Classification: Benign. Last evaluated: 2018-06-16. Review status: criteria provided, single submitter. Criteria: GeneDx Variant Classification (06012015). Collection method: clinical testing. Allele origin: germline. Affected: yes.
Comment: This variant is considered likely benign or benign based on one or more of the following criteria: it is a conservative change, it occurs at a poorly conserved position in the protein, it is predicted to be benign by multiple in silico algorithms, and/or has population frequency not consistent with disease.

Breakthrough Genomics
Classification: Benign. Review status: criteria provided, single submitter. Criteria: ACMG Guidelines, 2015. Collection method: not provided. Allele origin: germline. Inheritance: Autosomal recessive inheritance. Affected: yes.

NM_007215.4(POLG2):c.1192-132A>G

Genes: MILR1 (mast cell immunoglobulin like receptor 1; plus strand), POLG2 (DNA polymerase gamma 2, accessory subunit; minus strand). Cytogenetic location: 17q23.3.
Variant type: single nucleotide variant.
Coding change: c.1192-132A>G on transcript NM_007215.4 (MANE Select); 132 bases into the intron before coding-DNA position 1192, A replaced by G.
Molecular consequence: intron variant.
Genome position (GRCh38, 1-based): chr17:64,480,521, T>C on the plus strand (A>G on the coding strand, the complement: POLG2 is on the minus strand). VCF-style: chr17-64480521-T-C. GRCh37 (hg19) VCF-style: chr17-62476638-T-C.
Identifiers: ClinVar variation 671672 (VCV000671672.2), dbSNP rs7225672, ClinGen allele CA14487755.